The following is an entry in ClinVar:

NM_032656.4(DHX37):c.1270G>A (p.Ala424Thr)

Gene: DHX37 (DEAH-box helicase 37; minus strand). Cytogenetic location: 12q24.31.
Variant type: single nucleotide variant.
Coding change: c.1270G>A on transcript NM_032656.4 (MANE Select); coding-DNA position 1270, G replaced by A.
Protein change: p.Ala424Thr; replaces alanine 424 with threonine.
Molecular consequence: missense variant.
Genome position (GRCh38, 1-based): chr12:124,968,890, C>T on the plus strand (G>A on the coding strand, the complement: DHX37 is on the minus strand). VCF-style: chr12-124968890-C-T. GRCh37 (hg19) VCF-style: chr12-125453436-C-T.
Other names: short protein forms A424T.
Identifiers: ClinVar variation 1699540 (VCV001699540.8), dbSNP rs114271603, ClinGen allele CA6872128.

ClinVar aggregate classification (germline): Conflicting classifications of pathogenicity. Review status: criteria provided, conflicting classifications (1 of 4 stars). 2 submissions from 2 submitters: Uncertain significance (1); Likely benign (1). Last evaluated 2026-08-23.

Allele frequency attached by ClinVar (database versions not stated): gnomAD 0.00099 and 0.00105; gnomAD exomes 0.00010 and 0.00029; 1000 Genomes Project 0.00120; 1000 Genomes Project 30x 0.00125; ESP Exome Variant Server 0.00077; TOPMed 0.00118; ExAC 0.00040.
gnomAD v4.1: 297 of 1,614,016 alleles (0.018%); highest among the groups gnomAD compares: African/African-American, 0.33%; no homozygotes.

Submissions (2):

GeneDx
Classification: Uncertain significance. Last evaluated: 2026-08-23. Review status: criteria provided, single submitter. Criteria: GeneDx Variant Classification Process June 2021. Collection method: clinical testing. Allele origin: germline.
Comment: In silico analysis suggests that this missense variant does not alter protein structure/function; Has not been previously published as pathogenic or benign to our knowledge

Labcorp Genetics (formerly Invitae), Labcorp
Classification: Likely benign. Last evaluated: 2025-03-30. Review status: criteria provided, single submitter. Criteria: Invitae Variant Classification Sherloc (09022015). Collection method: clinical testing. Allele origin: germline.